The following is an entry in ClinVar:

NM_002519.3(NPAT):c.2326_2328del (p.Pro776del)

Gene: NPAT (nuclear protein, coactivator of histone transcription; minus strand). Cytogenetic location: 11q22.3.
Variant type: Deletion.
Coding change: c.2326_2328del on transcript NM_002519.3 (MANE Select); coding-DNA positions 2326 to 2328, 3 bases deleted (CCT; older notation c.2326_2328delCCT).
Protein change: p.Pro776del; deletes proline 776.
Molecular consequence: inframe deletion.
Genome position (GRCh38, 1-based): chr11:108,172,656-108,172,658, AGG deleted on the plus strand (CCT on the coding strand, the reverse complement: NPAT is on the minus strand); deleting any 3 consecutive bases within chr11:108,172,656-108,172,660 gives the same sequence; the c. name uses the placement nearest the transcript's 3' end. VCF-style (leftmost placement, unchanged base first): chr11-108172655-TAGG-T. GRCh37 (hg19) VCF-style: chr11-108043382-TAGG-T.
Other names: c.2326_2328del, p.Pro776del (NM_001321307.1); short protein forms P776del.
Identifiers: ClinVar variation 2967527 (VCV002967527.3), dbSNP rs922973611, ClinGen allele CA228383705.

ClinVar aggregate classification (germline): Uncertain significance (1 of 4 stars; one submission).

Submission:

Labcorp Genetics (formerly Invitae), Labcorp
Classification: Uncertain significance. Last evaluated: 2024-01-18. Review status: criteria provided, single submitter. Criteria: Invitae Variant Classification Sherloc (09022015). Collection method: clinical testing. Allele origin: germline.
Comment: This variant, c.2326_2328del, results in the deletion of 1 amino acid(s) of the NPAT protein (p.Pro776del), but otherwise preserves the integrity of the reading frame. This variant is present in population databases (no rsID available, gnomAD 0.0009%). This variant has not been reported in the literature in individuals affected with NPAT-related conditions. Experimental studies and prediction algorithms are not available or were not evaluated, and the functional significance of this variant is currently unknown. In summary, the available evidence is currently insufficient to determine the role of this variant in disease. Therefore, it has been classified as a Variant of Uncertain Significance.